The following is an entry in ClinVar:

NM_001199161.2(USP19):c.1660G>T (p.Val554Leu)

Gene: USP19 (ubiquitin specific peptidase 19; minus strand). Cytogenetic location: 3p21.31.
Variant type: single nucleotide variant.
Coding change: c.1660G>T on transcript NM_001199161.2 (MANE Select); coding-DNA position 1660, G replaced by T.
Protein change: p.Val554Leu; replaces valine 554 with leucine.
Molecular consequence: missense variant.
Genome position (GRCh38, 1-based): chr3:49,115,756, C>A on the plus strand (G>T on the coding strand, the complement: USP19 is on the minus strand). VCF-style: chr3-49115756-C-A. GRCh37 (hg19) VCF-style: chr3-49153189-C-A.
Other names: c.1654G>T, p.Val552Leu (NM_001199160.2, NM_001389598.1); c.1624G>T, p.Val542Leu (NM_001199162.2); c.1621G>T, p.Val541Leu (NM_001351098.2); c.1651G>T, p.Val551Leu (NM_001351099.2, NM_001389602.1); c.1657G>T, p.Val553Leu (NM_001351100.2, NM_001389604.1); c.1660G>T, p.Val554Leu (NM_001351101.2, NM_001389594.1, NM_001389595.1); c.1312G>T, p.Val438Leu (NM_001351102.2, NM_001389607.1); c.1357G>T, p.Val453Leu (NM_001351103.2, NM_001351106.2, NM_001389606.1); and 8 more; short protein forms V542L, V554L, V451L, V438L, V440L, V455L, V541L, V551L.
Identifiers: ClinVar variation 375397 (VCV000375397.1), dbSNP rs1057519452, ClinGen allele CA16044219.

ClinVar aggregate classification (germline): Pathogenic (0 of 4 stars; one submission).

Conditions:
Epileptic encephalopathy. Identifiers: MedGen C0543888, HP:0200134.

Submission:

Lupski Lab, Baylor-Hopkins CMG, Baylor College of Medicine
Classification: Pathogenic for Epileptic encephalopathy. Review status: no assertion criteria provided. Collection method: research. Allele origin: germline. Inheritance: Autosomal recessive inheritance. Affected: yes.